The following is an entry in ClinVar:

ClinVar aggregate classification (germline): Pathogenic/Likely pathogenic. Review status: criteria provided, multiple submitters, no conflicts (2 of 4 stars). 3 submissions from 3 submitters: Pathogenic (2); Likely pathogenic (1). Last evaluated 2025-09-29.

Conditions:
Polycystic liver disease 1 (PCLD1). Also called: Polycystic liver disease 1 with or without kidney cysts. Identifiers: Orphanet 2924, MedGen C0887850, MONDO:0008265, OMIM 174050.
PRKCSH-related disorder. Also called: PRKCSH-related condition.

gnomAD v4.1: 1 of 1,613,696 alleles (0.000062%); highest among the groups gnomAD compares: Non-Finnish European, 0.000085%; no homozygotes.

Submissions (3):

PreventionGenetics, part of Exact Sciences
Classification: Pathogenic for PRKCSH-related condition. Last evaluated: 2025-09-29. Review status: criteria provided, single submitter. Criteria: ACMG Guidelines, 2015. Collection method: clinical testing. Allele origin: germline.
Comment: The PRKCSH c.1440+1G>A variant is predicted to disrupt the GT donor site and interfere with normal splicing. This variant has been reported in an individual with polycystic liver disease (Patient YU315, Supplemental Table 1, Besse et al. 2017. PubMed ID: 28375157). This variant has not been reported in a large population database (gnomAD), indicating this variant is rare. Variants that disrupt the consensus splice donor site in PRKCSH are expected to be pathogenic. This variant is interpreted as pathogenic.

GeneDx
Classification: Pathogenic. Last evaluated: 2024-02-12. Review status: criteria provided, single submitter. Criteria: GeneDx Variant Classification Process June 2021. Collection method: clinical testing. Allele origin: germline. Affected: yes.
Comment: Reported in a patient with polycystic liver disease in published literature (PMID: 28375157); Canonical splice site variant predicted to result in a null allele in a gene for which loss of function is a known mechanism of disease; Not observed at significant frequency in large population cohorts (gnomAD); In silico analysis supports a deleterious effect on splicing; This variant is associated with the following publications: (PMID: 28375157)

Clinical Genetics Service, Universitary Hospital 12 de Octubre
Classification: Likely pathogenic for Polycystic liver disease 1. Review status: criteria provided, single submitter. Criteria: ACMG Guidelines, 2015. Collection method: clinical testing. Allele origin: germline. Affected: yes.

NM_001289104.2(PRKCSH):c.1461+1G>A

Gene: PRKCSH (PRKCSH beta subunit of glucosidase II; plus strand). Cytogenetic location: 19p13.2.
Variant type: single nucleotide variant.
Coding change: c.1461+1G>A on transcript NM_001289104.2 (MANE Select); the canonical splice donor site of the intron after coding-DNA position 1461, G replaced by A.
Molecular consequence: splice donor variant.
Genome position (GRCh38, 1-based): chr19:11,449,176, G>A. VCF-style: chr19-11449176-G-A. GRCh37 (hg19) VCF-style: chr19-11559991-G-A.
Other names: c.1461+1G>A (NM_001289103.2); c.1431+1G>A (NM_001379609.1, NM_001001329.3, NM_001289102.2); c.1440+1G>A (NM_001379608.1, NM_002743.3).
Identifiers: ClinVar variation 3340689 (VCV003340689.3).